The following is an entry in ClinVar:

NM_020822.3(KCNT1):c.2050A>C (p.Thr684Pro)

Gene: KCNT1 (potassium sodium-activated channel subfamily T member 1; plus strand). Cytogenetic location: 9q34.3.
Variant type: single nucleotide variant.
Coding change: c.2050A>C on transcript NM_020822.3 (MANE Select); coding-DNA position 2050, A replaced by C.
Protein change: p.Thr684Pro; replaces threonine 684 with proline.
Molecular consequence: missense variant.
Genome position (GRCh38, 1-based): chr9:135,772,756, A>C. VCF-style: chr9-135772756-A-C. GRCh37 (hg19) VCF-style: chr9-138664602-A-C.
Other names: c.1915A>C, p.Thr639Pro (NM_001272003.2); short protein forms T639P, T684P.
Identifiers: ClinVar variation 1418269 (VCV001418269.11), dbSNP rs756570347, ClinGen allele CA5327171.

ClinVar aggregate classification (germline): Conflicting classifications of pathogenicity. Review status: criteria provided, conflicting classifications (1 of 4 stars). 4 submissions from 3 submitters: Uncertain significance (3); Likely benign (1). Last evaluated 2024-04-08.

Conditions:
Developmental and epileptic encephalopathy, 14 (DEE14). Also called: Early infantile epileptic encephalopathy 14. Identifiers: Orphanet 293181, MedGen C3554195, MONDO:0013989, OMIM 614959.
Autosomal dominant nocturnal frontal lobe epilepsy 5. Also called: KCNT1-Related Epilepsy; CILIARY DYSKINESIA, PRIMARY, 28, WITH SITUS INVERSUS; Epilepsy, nocturnal frontal lobe, 5; CILIARY DYSKINESIA, PRIMARY, 28, WITHOUT SITUS INVERSUS. Identifiers: Orphanet 98784, MedGen C3554306, MONDO:0014002, OMIM 615005.

Allele frequency attached by ClinVar (database versions not stated): gnomAD exomes 0.00001 and below 0.00001; TOPMed 0.00002; gnomAD 0.00003.
gnomAD v4.1: 5 of 1,470,766 alleles (0.00034%); highest among the groups gnomAD compares: African/African-American, 0.0057%; no homozygotes.

Submissions (4):

Labcorp Genetics (formerly Invitae), Labcorp
Classification: Likely benign for Autosomal dominant nocturnal frontal lobe epilepsy 5; Developmental and epileptic encephalopathy, 14. Last evaluated: 2024-04-08. Review status: criteria provided, single submitter. Criteria: Invitae Variant Classification Sherloc (09022015). Collection method: clinical testing. Allele origin: germline.

Genome-Nilou Lab
Classification: Uncertain significance for Developmental and epileptic encephalopathy, 14. Last evaluated: 2022-03-15. Review status: criteria provided, single submitter. Criteria: ACMG Guidelines, 2015. Collection method: clinical testing. Allele origin: germline. Affected: no.

Genome-Nilou Lab
Classification: Uncertain significance for Autosomal dominant nocturnal frontal lobe epilepsy 5. Last evaluated: 2022-03-15. Review status: criteria provided, single submitter. Criteria: ACMG Guidelines, 2015. Collection method: clinical testing. Allele origin: germline. Affected: no.

New York Genome Center
Classification: Uncertain significance for Autosomal dominant nocturnal frontal lobe epilepsy 5; Developmental and epileptic encephalopathy, 14. Last evaluated: 2021-08-06. Review status: criteria provided, single submitter. Criteria: NYGC Assertion Criteria 2020. Collection method: clinical testing. Allele origin: inherited. Observed: 1 heterozygote. Study: CSER-NYCKidSeq.
Comment: The inherited heterozygous c.2050A>C (p.Thr684Pro) missense variant identified in the KCNT1 gene has not been reported in affected individuals in the literature. The variant has 0.00002628 allele frequency in the gnomAD(v3) database (4 out of 152202 heterozygous alleles, no homozygotes)suggesting it is not a common benign variant in the populations represented in that database. The affected residue is not evolutionarily conserved. In silico prediction tools predict a neutral effect on protein function (CADD score = 12.67, REVEL score = 0.0.019). Based on the available evidence, the inherited heterozygousc.2050A>C (p.Thr684Pro) missense variant identified in the KCNT1 gene is reported as a Variant of Uncertain Significance.